The following is an entry in ClinVar:

ClinVar aggregate classification (germline): Uncertain significance. Review status: criteria provided, multiple submitters, no conflicts (2 of 4 stars). 2 submissions from 2 submitters: Uncertain significance (2). Last evaluated 2025-01-30.

Allele frequency attached by ClinVar (database versions not stated): TOPMed 0.00001; gnomAD 0.00002; gnomAD exomes 0.00002; ExAC 0.00005; ESP Exome Variant Server 0.00008.

Submissions (2):

Labcorp Genetics (formerly Invitae), Labcorp
Classification: Uncertain significance. Last evaluated: 2025-01-30. Review status: criteria provided, single submitter. Criteria: Invitae Variant Classification Sherloc (09022015). Collection method: clinical testing. Allele origin: germline.
Comment: This sequence change replaces arginine, which is basic and polar, with glutamine, which is neutral and polar, at codon 541 of the SULF1 protein (p.Arg541Gln). This variant is present in population databases (rs370846825, gnomAD 0.007%). This variant has not been reported in the literature in individuals affected with SULF1-related conditions. ClinVar contains an entry for this variant (Variation ID: 1984375). An algorithm developed to predict the effect of missense changes on protein structure and function (PolyPhen-2) suggests that this variant is likely to be disruptive. In summary, the available evidence is currently insufficient to determine the role of this variant in disease. Therefore, it has been classified as a Variant of Uncertain Significance.

Ambry Genetics
Classification: Uncertain significance. Last evaluated: 2022-05-10. Review status: criteria provided, single submitter. Criteria: Ambry Variant Classification Scheme 2023. Collection method: clinical testing. Allele origin: germline.

NM_001128205.2(SULF1):c.1622G>A (p.Arg541Gln)

Gene: SULF1 (sulfatase 1; plus strand). Cytogenetic location: 8q13.3.
Variant type: single nucleotide variant.
Coding change: c.1622G>A on transcript NM_001128205.2 (MANE Select); coding-DNA position 1622, G replaced by A.
Protein change: p.Arg541Gln; replaces arginine 541 with glutamine.
Molecular consequence: missense variant. On other transcripts: non-coding transcript variant (3).
Genome position (GRCh38, 1-based): chr8:69,623,969, G>A. VCF-style: chr8-69623969-G-A. GRCh37 (hg19) VCF-style: chr8-70536204-G-A.
Other names: c.1622G>A, p.Arg541Gln (NM_001128204.2, NM_001128206.2, NM_001412828.1 and 10 more transcripts); c.1493G>A, p.Arg498Gln (NM_001412832.1, NM_001412838.1, NM_001412839.1 and 1 more transcripts); c.1565G>A, p.Arg522Gln (NM_001412836.1, NM_001412837.1); c.1436G>A, p.Arg479Gln (NM_001412841.1, NM_001412842.1); c.1022G>A, p.Arg341Gln (NM_001412844.1, NM_001412845.1); c.-170G>A (NM_001412846.1); short protein forms R479Q, R498Q, R541Q, R341Q, R522Q.
Identifiers: ClinVar variation 1984375 (VCV001984375.5), dbSNP rs370846825, ClinGen allele CA4775941.